The following is an entry in ClinVar:

ClinVar aggregate classification (germline): Uncertain significance (1 of 4 stars; one submission).

Conditions:
Atypical hemolytic-uremic syndrome. Identifiers: Orphanet 2134, MedGen C2931788, MONDO:0016244.

Submission:

Genomenon, Inc
Classification: Uncertain significance for Atypical hemolytic-uremic syndrome. Last evaluated: 2025-10-02. Review status: criteria provided, single submitter. Criteria: Genomenon Sequence Variant Interpretation Standards - Updated. Collection method: curation. Allele origin: germline. Affected: yes.
Comment: CFH p.Gly397Arg (c.1189G>A) is a missense variant that changes the amino acid at residue 397 from Glycine to Arginine. This variant has been observed in at least one proband affected with atypical hemolytic-uremic syndrome (PMID:20203157). Functional studies have been reported (PMID:34189567). It is absent or not present at a significant frequency in gnomAD. In conclusion, we classify CFH p.Gly397Arg (c.1189G>A) as a variant of uncertain significance.

Literature cited by the submitters: PubMed 20203157; PubMed 34189567.

NM_000186.4(CFH):c.1189G>A (p.Gly397Arg)

Gene: CFH (complement factor H; plus strand). Cytogenetic location: 1q31.3.
Variant type: single nucleotide variant.
Coding change: c.1189G>A on transcript NM_000186.4 (MANE Select); coding-DNA position 1189, G replaced by A.
Protein change: p.Gly397Arg; replaces glycine 397 with arginine.
Molecular consequence: missense variant.
Genome position (GRCh38, 1-based): chr1:196,690,092, G>A. VCF-style: chr1-196690092-G-A. GRCh37 (hg19) VCF-style: chr1-196659222-G-A.
Other names: c.1189G>A, p.Gly397Arg (NM_001014975.3); short protein forms G397R.
Identifiers: ClinVar variation 4291373 (VCV004291373.1).
Genomic context (GRCh38, chr1:196,690,092, plus strand): 5'-TTTATTTATTTATCATTGTTATGGTCCTTAGGAAAATGTTATTTTCCTTATTTGGAAAAT[G>A]GATATAATCAAAATCATGGAAGAAAGTTTGTACAGGGTAAATCTATAGACGTTGCCTGCC-3'
Protein context (NP_000177.2, residues 387-407): RKCYFPYLEN[Gly397Arg]YNQNHGRKFV